The following is an entry in ClinVar:

NM_018105.3(THAP1):c.*65G>C

Gene: THAP1 (THAP domain containing 1; minus strand). Cytogenetic location: 8p11.21.
Variant type: single nucleotide variant.
Coding change: c.*65G>C on transcript NM_018105.3 (MANE Select); 65 bases downstream of the stop codon, G replaced by C.
Molecular consequence: 3 prime UTR variant.
Genome position (GRCh38, 1-based): chr8:42,837,897, C>G on the plus strand (G>C on the coding strand, the complement: THAP1 is on the minus strand). VCF-style: chr8-42837897-C-G. GRCh37 (hg19) VCF-style: chr8-42693040-C-G.
Other names: c.*349G>C (NM_199003.2).
Identifiers: ClinVar variation 911595 (VCV000911595.4), dbSNP rs185264166, ClinGen allele CA176034068.

ClinVar aggregate classification (germline): Benign (1 of 4 stars; one submission).

Conditions:
Torsion dystonia 6 (DYT6). Also called: DYT-THAP1. Identifiers: Orphanet 98806, MedGen C1414216, MONDO:0011264, OMIM 602629.

Allele frequency attached by ClinVar (database versions not stated): gnomAD 0.00008 and 0.00017; TOPMed 0.00016; gnomAD exomes 0.00019; 1000 Genomes Project 0.00060; 1000 Genomes Project 30x 0.00062.

Submission:

Illumina Laboratory Services, Illumina
Classification: Benign for Torsion dystonia 6. Last evaluated: 2018-01-13. Review status: criteria provided, single submitter. Criteria: ICSL Variant Classification Criteria 13 December 2019. Collection method: clinical testing. Allele origin: germline.
Comment: This variant was observed in the ICSL laboratory as part of a predisposition screen in an ostensibly healthy population. It had not been previously curated by ICSL or reported in the Human Gene Mutation Database (HGMD: prior to June 1st, 2018), and was therefore a candidate for classification through an automated scoring system. Utilizing variant allele frequency, disease prevalence and penetrance estimates, and inheritance mode, an automated score was calculated to assess if this variant is too frequent to cause the disease. Based on the score and internal cut-off values, a variant classified as benign is not then subjected to further curation. The score for this variant resulted in a classification of benign for this disease.